The following is an entry in ClinVar:

ClinVar aggregate classification (germline): Likely benign. Review status: criteria provided, multiple submitters, no conflicts (2 of 4 stars). 5 submissions from 5 submitters: Likely benign (5). Last evaluated 2025-04-09.

Conditions:
Hypercholesterolemia, autosomal dominant, type B (FHCL2). Also called: APOB-Related Familial Hypercholesterolemia, Autosomal Dominant; Hyperlipoproteinemia Type IIb; Familial Hypercholesterolemia Type B; APOLIPOPROTEIN B-100, FAMILIAL DEFECTIVE; APOLIPOPROTEIN B-100, FAMILIAL LIGAND-DEFECTIVE; HYPERCHOLESTEROLEMIA, FAMILIAL, DUE TO LIGAND-DEFECTIVE APOLIPOPROTEIN B. Identifiers: MedGen C1704417, MONDO:0007751, OMIM 144010.
Familial hypobetalipoproteinemia 1. Also called: Hypobetalipoproteinemia, normotriglyceridemic; Acanthocytosis with hypobetalipoproteinemia; APOB-Related Familial Hypobetalipoproteinemia. Identifiers: MedGen C4551990, MONDO:0014252, OMIM 615558.
Cardiovascular phenotype. Identifiers: MedGen CN230736.
Familial hypercholesterolemia. Also called: Familial hypercholesterolemias; Familial hypercholesterolaemia. Identifiers: MedGen C0020445, MONDO:0005439.

Allele frequency attached by ClinVar (database versions not stated): gnomAD exomes 0.00004 and 0.00009; ESP Exome Variant Server 0.00046; ExAC 0.00012; 1000 Genomes Project 30x 0.00016; 1000 Genomes Project 0.00020; gnomAD 0.00026 and 0.00027; TOPMed 0.00029.
gnomAD v4.1: 107 of 1,613,980 alleles (0.0066%); highest among the groups gnomAD compares: African/African-American, 0.091%; no homozygotes.

Submissions (5):

Molecular Diagnostic Laboratory for Inherited Cardiovascular Disease, Montreal Heart Institute
Classification: Likely benign. Last evaluated: 2025-04-09. Review status: criteria provided, single submitter. Criteria: ACMG Guidelines, 2015. Collection method: clinical testing. Allele origin: germline. Affected: no.
Comment: BP6;BP7

Labcorp Genetics (formerly Invitae), Labcorp
Classification: Likely benign for Familial hypobetalipoproteinemia 1; Hypercholesterolemia, autosomal dominant, type B. Last evaluated: 2024-08-19. Review status: criteria provided, single submitter. Criteria: Invitae Variant Classification Sherloc (09022015). Collection method: clinical testing. Allele origin: germline.

Ambry Genetics
Classification: Likely benign for Cardiovascular phenotype. Last evaluated: 2024-05-30. Review status: criteria provided, single submitter. Criteria: Ambry Variant Classification Scheme 2023. Collection method: clinical testing. Allele origin: germline.

GENinCode PLC
Classification: Likely benign for Familial hypercholesterolemia. Last evaluated: 2023-03-30. Review status: criteria provided, single submitter. Criteria: ACMG Guidelines, 2015. Collection method: clinical testing. Allele origin: germline.
Comment: This is a synonymous (silent) variant that is not predicted by SpliceAI to impact splicing. In addition, it occurs at a nucleotide that is not conserved. Therefore this variant has been classified as Likely Benign (BP4, BP7).

Quest Diagnostics Nichols Institute San Juan Capistrano
Classification: Likely benign. Last evaluated: 2020-05-07. Review status: criteria provided, single submitter. Criteria: Quest Diagnostics criteria. Collection method: clinical testing. Allele origin: unknown.

NM_000384.3(APOB):c.9810C>T (p.Phe3270=)

Gene: APOB (apolipoprotein B; minus strand). Cytogenetic location: 2p24.1.
Variant type: single nucleotide variant.
Coding change: c.9810C>T on transcript NM_000384.3 (MANE Select); coding-DNA position 9810, C replaced by T.
Protein change: p.Phe3270=; no amino-acid change (phenylalanine 3270 retained).
Molecular consequence: synonymous variant.
Genome position (GRCh38, 1-based): chr2:21,007,058, G>A on the plus strand (C>T on the coding strand, the complement: APOB is on the minus strand). VCF-style: chr2-21007058-G-A. GRCh37 (hg19) VCF-style: chr2-21229930-G-A.
Identifiers: ClinVar variation 477823 (VCV000477823.21), dbSNP rs138010392, ClinGen allele CA066859.